The following is an entry in ClinVar:

ClinVar aggregate classification (germline): Uncertain significance. Review status: criteria provided, multiple submitters, no conflicts (2 of 4 stars). 2 submissions from 2 submitters: Uncertain significance (2). Last evaluated 2024-02-16.

Conditions:
Dyskeratosis congenita, autosomal dominant 2. Identifiers: MedGen C3151443, MONDO:0013521, OMIM 613989.
Idiopathic Pulmonary Fibrosis. Also called: Idiopathic fibrosing alveolitis, chronic form; idiopathic fibrosing alveolitis. Identifiers: Orphanet 2032, MedGen C1800706, MeSH D054990, MONDO:0800504.
Dyskeratosis congenita. Identifiers: Orphanet 1775, MedGen C0265965, MONDO:0015780.

Submissions (2):

Ambry Genetics
Classification: Uncertain significance for Dyskeratosis congenita. Last evaluated: 2024-02-16. Review status: criteria provided, single submitter. Criteria: Ambry Variant Classification Scheme 2023. Collection method: clinical testing. Allele origin: germline.
Comment: The p.S843G variant (also known as c.2527A>G), located in coding exon 9 of the TERT gene, results from an A to G substitution at nucleotide position 2527. The serine at codon 843 is replaced by glycine, an amino acid with similar properties. This amino acid position is conserved. In addition, the in silico prediction for this alteration is inconclusive. Based on the available evidence, the clinical significance of this alteration remains unclear.

Labcorp Genetics (formerly Invitae), Labcorp
Classification: Uncertain significance for Dyskeratosis congenita, autosomal dominant 2; Idiopathic Pulmonary Fibrosis. Last evaluated: 2017-05-17. Review status: criteria provided, single submitter. Criteria: Invitae Variant Classification Sherloc (09022015). Collection method: clinical testing. Allele origin: germline.
Comment: This sequence change replaces serine with glycine at codon 843 of the TERT protein (p.Ser843Gly). The serine residue is moderately conserved and there is a small physicochemical difference between serine and glycine. In summary, this variant is a novel missense change with uncertain impact on protein function. It has been classified as a Variant of Uncertain Significance. Algorithms developed to predict the effect of missense changes on protein structure and function do not agree on the potential impact of this missense change (SIFT: "Tolerated"; PolyPhen-2: "Probably Damaging"; Align-GVGD: "Class C0"). This variant is not present in population databases (ExAC no frequency) and has not been reported in the literature in individuals with a TERT-related disease.

NM_198253.3(TERT):c.2527A>G (p.Ser843Gly)

Gene: TERT (telomerase reverse transcriptase; minus strand). Cytogenetic location: 5p15.33.
Variant type: single nucleotide variant.
Coding change: c.2527A>G on transcript NM_198253.3 (MANE Select); coding-DNA position 2527, A replaced by G.
Protein change: p.Ser843Gly; replaces serine 843 with glycine.
Molecular consequence: missense variant. On other transcripts: non-coding transcript variant (2).
Genome position (GRCh38, 1-based): chr5:1,268,575, T>C on the plus strand (A>G on the coding strand, the complement: TERT is on the minus strand). VCF-style: chr5-1268575-T-C. GRCh37 (hg19) VCF-style: chr5-1268690-T-C.
Other names: c.2527A>G, p.Ser843Gly (NM_001193376.3); short protein forms S843G.
Identifiers: ClinVar variation 471868 (VCV000471868.10), dbSNP rs1554039732, ClinGen allele CA359074663.
Genomic context (GRCh38, chr5:1,268,575, plus strand): 5'-CTCACCCGTCCCGCCGAATCCCCGCAAACAGCTTGTTCTCCATGTCGCCGTAGCACAGGC[T>C]GCAGAGCAGCGTGGAGAGGATGGAGCCCTGCGGGATCCCCTGGCACTGGACGTAGGACCT-3'
Protein context (NP_937983.2, residues 833-853): QGSILSTLLC[Ser843Gly]LCYGDMENKL